The following is an entry in ClinVar:

NM_020831.6(MRTFA):c.391C>T (p.Arg131Cys)

Gene: MRTFA (myocardin related transcription factor A; minus strand). Cytogenetic location: 22q13.1.
Variant type: single nucleotide variant.
Coding change: c.391C>T on transcript NM_020831.6 (MANE Select); coding-DNA position 391, C replaced by T.
Protein change: p.Arg131Cys; replaces arginine 131 with cysteine.
Molecular consequence: missense variant.
Genome position (GRCh38, 1-based): chr22:40,431,453, G>A on the plus strand (C>T on the coding strand, the complement: MRTFA is on the minus strand). VCF-style: chr22-40431453-G-A. GRCh37 (hg19) VCF-style: chr22-40827457-G-A.
Other names: c.91C>T, p.Arg31Cys (NM_001282660.2); c.391C>T, p.Arg131Cys (NM_001282661.3, NM_001282662.3); c.196C>T, p.Arg66Cys (NM_001318139.2); short protein forms R131C, R31C, R66C.
Identifiers: ClinVar variation 2191037 (VCV002191037.4), dbSNP rs772930139, ClinGen allele CA10249995.

ClinVar aggregate classification (germline): Uncertain significance (1 of 4 stars; one submission).

Allele frequency attached by ClinVar (database versions not stated): ExAC 0.00001; gnomAD 0.00002; TOPMed 0.00002.
gnomAD v4.1: 9 of 1,613,912 alleles (0.00056%); highest among the groups gnomAD compares: East Asian, 0.0045%; no homozygotes.

Submission:

Labcorp Genetics (formerly Invitae), Labcorp
Classification: Uncertain significance. Last evaluated: 2024-07-13. Review status: criteria provided, single submitter. Criteria: Invitae Variant Classification Sherloc (09022015). Collection method: clinical testing. Allele origin: germline.
Comment: This sequence change replaces arginine, which is basic and polar, with cysteine, which is neutral and slightly polar, at codon 31 of the MKL1 protein (p.Arg31Cys). This variant is present in population databases (rs772930139, gnomAD 0.005%). This variant has not been reported in the literature in individuals affected with MKL1-related conditions. ClinVar contains an entry for this variant (Variation ID: 2191037). An algorithm developed to predict the effect of missense changes on protein structure and function (PolyPhen-2) suggests that this variant is likely to be tolerated. In summary, the available evidence is currently insufficient to determine the role of this variant in disease. Therefore, it has been classified as a Variant of Uncertain Significance.